The following is an entry in ClinVar:

NM_000051.4(ATM):c.8178del (p.Val2727fs)

Genes: ATM (ATM serine/threonine kinase; plus strand), C11orf65 (chromosome 11 open reading frame 65; minus strand). Cytogenetic location: 11q22.3.
Variant type: Deletion.
Coding change: c.8178del on transcript NM_000051.4 (MANE Select); coding-DNA position 8178, one base deleted (T; older notation c.8178delT).
Protein change: p.Val2727fs; shifts the reading frame from valine 2727.
Molecular consequence: frameshift variant. On other transcripts: intron variant (2).
Genome position (GRCh38, 1-based): chr11:108,335,871, T deleted. VCF-style (leftmost placement, unchanged base first): chr11-108335870-CT-C. GRCh37 (hg19) VCF-style: chr11-108206597-CT-C.
Other names: c.8178del, p.Val2727fs (NM_001351834.2); c.641-26800del (NM_001330368.2); c.695-579del (NM_001351110.2); short protein forms V2727fs.
Identifiers: ClinVar variation 1762297 (VCV001762297.2), dbSNP rs2547345881, ClinGen allele CA2580083110.

ClinVar aggregate classification (germline): Pathogenic (1 of 4 stars; one submission).

Conditions:
Hereditary cancer-predisposing syndrome. Also called: Hereditary neoplastic syndrome; Neoplastic Syndromes, Hereditary; Tumor predisposition; Hereditary Cancer Syndrome. Identifiers: Orphanet 140162, MedGen C0027672, MeSH D009386, MONDO:0015356.

Submission:

Ambry Genetics
Classification: Pathogenic for Hereditary cancer-predisposing syndrome. Last evaluated: 2022-09-23. Review status: criteria provided, single submitter. Criteria: Ambry Variant Classification Scheme 2023. Collection method: clinical testing. Allele origin: germline.
Comment: The c.8178delT pathogenic mutation, located in coding exon 55 of the ATM gene, results from a deletion of one nucleotide at nucleotide position 8178, causing a translational frameshift with a predicted alternate stop codon (p.V2727Sfs*24). This variant is considered to be rare based on population cohorts in the Genome Aggregation Database (gnomAD). This alteration is expected to result in loss of function by premature protein truncation or nonsense-mediated mRNA decay. As such, this alteration is interpreted as a disease-causing mutation.